The following is an entry in ClinVar:

NM_001378454.1(ALMS1):c.8834dup (p.Asn2945fs)

Gene: ALMS1 (ALMS1 centrosome and basal body associated protein; plus strand). Cytogenetic location: 2p13.1.
Variant type: Duplication.
Coding change: c.8834dup on transcript NM_001378454.1 (MANE Select); coding-DNA position 8834, one base duplicated (A; older notation c.8834dupA).
Protein change: p.Asn2945fs; shifts the reading frame from asparagine 2945.
Molecular consequence: frameshift variant.
Genome position (GRCh38, 1-based): chr2:73,490,793, A duplicated; the last of 4 consecutive A bases (chr2:73,490,790-73,490,793); duplicating any one gives the same sequence. VCF-style (leftmost placement, unchanged base first): chr2-73490789-G-GA. GRCh37 (hg19) VCF-style: chr2-73717916-G-GA.
Other names: c.8837dup, p.Asn2946fs (NM_015120.4); short protein forms N2945fs, N2946fs.
Identifiers: ClinVar variation 5019123 (VCV005019123.2).
Genomic context (GRCh38, chr2:73,490,789, plus strand): 5'-CTTGAACAACGAGAACTCTTTGAACAGTGCAAAGCCCCATATGTAGATCATCAAATGAGA[G>GA]AAAACCATTCTCCCCTTCCTCAAGGTCAGGATTCTATAGCTTCAGACCTTCCGTCTCCCA-3'

ClinVar aggregate classification (germline): Likely pathogenic (1 of 4 stars; one submission).

Conditions:
Alstrom syndrome (ALMS). Identifiers: Orphanet 64, MedGen C0268425, MONDO:0008763, OMIM 203800.

Submission:

Juno Genomics, Hangzhou Juno Genomics, Inc
Classification: Likely pathogenic for Alstrom syndrome. Review status: criteria provided, single submitter. Criteria: ACMG Guidelines, 2015. Collection method: clinical testing. Allele origin: germline.
Comment: Absent from controls (or at extremely low frequency if recessive) in Genome Aggregation Database.;Null variant in a gene where loss of function (LOF) is a known mechanism of disease.